The following is an entry in ClinVar:

ClinVar aggregate classification (germline): Benign/Likely benign. Review status: criteria provided, multiple submitters, no conflicts (2 of 4 stars). 5 submissions from 5 submitters: Benign (1); Likely benign (3). 1 of the submissions does not count toward it. Last evaluated 2025-12-23.

Conditions:
AKT3-related disorder. Also called: AKT3-related condition.
Megalencephaly-polymicrogyria-polydactyly-hydrocephalus syndrome 2 (MPPH2). Also called: MEGALENCEPHALY-POLYMICROGYRIA-POLYDACTYLY-HYDROCEPHALUS SYNDROME 2, SOMATIC. Identifiers: Orphanet 83473, MedGen C4014738, MONDO:0014407, OMIM 615937.

Allele frequency attached by ClinVar (database versions not stated): gnomAD exomes 0.00029; ExAC 0.00036; 1000 Genomes Project 0.00060; 1000 Genomes Project 30x 0.00062; gnomAD 0.00130 and 0.00141; TOPMed 0.00139; ESP Exome Variant Server 0.00169.
gnomAD v4.1: 410 of 1,613,692 alleles (0.025%); highest among the groups gnomAD compares: African/African-American, 0.49%; 3 homozygotes.

Submissions (5):

Labcorp Genetics (formerly Invitae), Labcorp
Classification: Benign for Megalencephaly-polymicrogyria-polydactyly-hydrocephalus syndrome 2. Last evaluated: 2025-12-23. Review status: criteria provided, single submitter. Criteria: Invitae Variant Classification Sherloc (09022015). Collection method: clinical testing. Allele origin: germline.

CeGaT Center for Human Genetics Tuebingen
Classification: Likely benign. Last evaluated: 2025-03-01. Review status: criteria provided, single submitter. Criteria: CeGaT Center For Human Genetics Tuebingen Variant Classification Criteria Version 2. Collection method: clinical testing. Allele origin: germline. Affected: yes. Observed: 2 variant alleles.
Comment: AKT3: BP4, BP7

Blueprint Genetics
Classification: Likely benign. Last evaluated: 2024-08-06. Review status: criteria provided, single submitter. Criteria: ACMG Guidelines, 2015. Collection method: clinical testing. Allele origin: germline.

GeneDx
Classification: Likely benign. Last evaluated: 2020-02-18. Review status: criteria provided, single submitter. Criteria: GeneDx Variant Classification Process June 2021. Collection method: clinical testing. Allele origin: germline. Affected: yes.

PreventionGenetics, part of Exact Sciences
Classification: Likely benign for AKT3-related condition. Last evaluated: 2019-07-18. Review status: no assertion criteria provided. Collection method: clinical testing. Allele origin: germline. Not counted in ClinVar's aggregate classification.
Comment: This variant is classified as likely benign based on ACMG/AMP sequence variant interpretation guidelines (Richards et al. 2015 PMID: 25741868, with internal and published modifications).

NM_005465.7(AKT3):c.1359T>C (p.Asp453=)

Gene: AKT3 (AKT serine/threonine kinase 3; minus strand). Cytogenetic location: 1q44.
Variant type: single nucleotide variant.
Coding change: c.1359T>C on transcript NM_005465.7 (MANE Select); coding-DNA position 1359, T replaced by C.
Protein change: p.Asp453=; no amino-acid change (aspartic acid 453 retained).
Molecular consequence: synonymous variant. On other transcripts: intron variant (2).
Genome position (GRCh38, 1-based): chr1:243,505,330, A>G on the plus strand (T>C on the coding strand, the complement: AKT3 is on the minus strand). VCF-style: chr1-243505330-A-G. GRCh37 (hg19) VCF-style: chr1-243668632-A-G.
Other names: c.1359T>C, p.Asp453= (NM_001370074.1); c.1355-5544T>C (NM_181690.2, NM_001206729.2).
Identifiers: ClinVar variation 772787 (VCV000772787.25), dbSNP rs142844303, ClinGen allele CA1483907.
Genomic context (GRCh38, chr1:243,505,330, plus strand): 5'-GTAGGAAAATTGAGGGAAATGCGGCCGCCTCTCATTGTCCATGCAGTCCATACCATCCTC[A>G]TCATCTGTGGGCAGGAAACATCTATTTTAATTTTACACATTCATTTTTTGCAACATTATC-3'
Protein context (NP_005456.1, residues 443-463): TITITPPEKY[Asp453=]EDGMDCMDNE